The following is an entry in ClinVar:

ClinVar aggregate classification (germline): Uncertain significance (1 of 4 stars; one submission).

Conditions:
Familial cancer of breast. Also called: hereditary breast carcinoma; Hereditary breast cancer; BREAST CANCER, FAMILIAL. Identifiers: Orphanet 227535, MedGen C0346153, MONDO:0016419, OMIM 114480. Disease mechanism: loss of function.

Submission:

Labcorp Genetics (formerly Invitae), Labcorp
Classification: Uncertain significance for Familial cancer of breast. Last evaluated: 2021-05-25. Review status: criteria provided, single submitter. Criteria: Invitae Variant Classification Sherloc (09022015). Collection method: clinical testing. Allele origin: germline.
Comment: Algorithms developed to predict the effect of missense changes on protein structure and function output the following: SIFT: "Deleterious"; PolyPhen-2: "Possibly Damaging"; Align-GVGD: "Class C0". The glutamine amino acid residue is found in multiple mammalian species, suggesting that this missense change does not adversely affect protein function. These predictions have not been confirmed by published functional studies and their clinical significance is uncertain. This variant has not been reported in the literature in individuals with PALB2-related conditions. This variant is not present in population databases (ExAC no frequency). This sequence change replaces glutamic acid with glutamine at codon 657 of the PALB2 protein (p.Glu657Gln). The glutamic acid residue is highly conserved and there is a small physicochemical difference between glutamic acid and glutamine. In summary, the available evidence is currently insufficient to determine the role of this variant in disease. Therefore, it has been classified as a Variant of Uncertain Significance.

NM_024675.4(PALB2):c.1969G>C (p.Glu657Gln)

Gene: PALB2 (partner and localizer of BRCA2; minus strand). Cytogenetic location: 16p12.2.
Variant type: single nucleotide variant.
Coding change: c.1969G>C on transcript NM_024675.4 (MANE Select); coding-DNA position 1969, G replaced by C.
Protein change: p.Glu657Gln; replaces glutamic acid 657 with glutamine.
Molecular consequence: missense variant.
Genome position (GRCh38, 1-based): chr16:23,630,185, C>G on the plus strand (G>C on the coding strand, the complement: PALB2 is on the minus strand). VCF-style: chr16-23630185-C-G. GRCh37 (hg19) VCF-style: chr16-23641506-C-G.
Other names: short protein forms E657Q.
Identifiers: ClinVar variation 1356113 (VCV001356113.9), dbSNP rs2142384677, ClinGen allele CA395127320.